The following is an entry in ClinVar:

NM_001041.4(SI):c.5052T>G (p.His1684Gln)

Gene: SI (sucrase-isomaltase; minus strand). Cytogenetic location: 3q26.1.
Variant type: single nucleotide variant.
Coding change: c.5052T>G on transcript NM_001041.4 (MANE Select); coding-DNA position 5052, T replaced by G.
Protein change: p.His1684Gln; replaces histidine 1684 with glutamine.
Molecular consequence: missense variant.
Genome position (GRCh38, 1-based): chr3:164,991,409, A>C on the plus strand (T>G on the coding strand, the complement: SI is on the minus strand). VCF-style: chr3-164991409-A-C. GRCh37 (hg19) VCF-style: chr3-164709197-A-C.
Other names: short protein forms H1684Q.
Identifiers: ClinVar variation 1311354 (VCV001311354.4), dbSNP rs748153693, ClinGen allele CA2689680.

ClinVar aggregate classification (germline): Uncertain significance. Review status: criteria provided, multiple submitters, no conflicts (2 of 4 stars). 2 submissions from 2 submitters: Uncertain significance (2). Last evaluated 2026-02-01.

Allele frequency attached by ClinVar (database versions not stated): ExAC 0.00002; TOPMed 0.00004; gnomAD exomes 0.00003.
gnomAD v4.1: 40 of 1,613,506 alleles (0.0025%); highest among the groups gnomAD compares: Non-Finnish European, 0.0032%; no homozygotes.

Submissions (2):

Labcorp Genetics (formerly Invitae), Labcorp
Classification: Uncertain significance. Last evaluated: 2026-02-01. Review status: criteria provided, single submitter. Criteria: Invitae Variant Classification Sherloc (09022015). Collection method: clinical testing. Allele origin: germline.
Comment: This sequence change replaces histidine, which is basic and polar, with glutamine, which is neutral and polar, at codon 1684 of the SI protein (p.His1684Gln). This variant is present in population databases (rs748153693, gnomAD 0.008%). This variant has not been reported in the literature in individuals affected with SI-related conditions. ClinVar contains an entry for this variant (Variation ID: 1311354). Invitae Evidence Modeling of protein sequence and biophysical properties (such as structural, functional, and spatial information, amino acid conservation, physicochemical variation, residue mobility, and thermodynamic stability) has been performed for this missense variant. However, the output from this modeling did not meet the statistical confidence thresholds required to predict the impact of this variant on SI protein function. In summary, the available evidence is currently insufficient to determine the role of this variant in disease. Therefore, it has been classified as a Variant of Uncertain Significance.

GeneDx
Classification: Uncertain significance. Last evaluated: 2020-02-12. Review status: criteria provided, single submitter. Criteria: GeneDx Variant Classification Process June 2021. Collection method: clinical testing. Allele origin: germline. Affected: yes.
Comment: In silico analysis supports that this missense variant has a deleterious effect on protein structure/function and also supports a deleterious effect on splicing; Has not been previously published as pathogenic or benign to our knowledge